The following is an entry in ClinVar:

ClinVar aggregate classification (germline): Benign/Likely benign. Review status: criteria provided, multiple submitters, no conflicts (2 of 4 stars). 2 submissions from 2 submitters: Benign (1); Likely benign (1). Last evaluated 2025-11-10.

Allele frequency attached by ClinVar (database versions not stated): gnomAD 0.00003 and 0.00007; TOPMed 0.00006; 1000 Genomes Project 0.00020; 1000 Genomes Project 30x 0.00031; gnomAD exomes 0.00032; ExAC 0.00035.
gnomAD v4.1: 280 of 1,518,414 alleles (0.018%); highest among the groups gnomAD compares: South Asian, 0.24%; 3 homozygotes.

Submissions (2):

Labcorp Genetics (formerly Invitae), Labcorp
Classification: Benign. Last evaluated: 2025-11-10. Review status: criteria provided, single submitter. Criteria: Invitae Variant Classification Sherloc (09022015). Collection method: clinical testing. Allele origin: germline.

CeGaT Center for Human Genetics Tuebingen
Classification: Likely benign. Last evaluated: 2024-10-01. Review status: criteria provided, single submitter. Criteria: CeGaT Center For Human Genetics Tuebingen Variant Classification Criteria Version 2. Collection method: clinical testing. Allele origin: germline. Affected: yes. Observed: 1 variant allele.
Comment: NPR3: BP4, BP7

NM_001204375.2(NPR3):c.1203C>T (p.Ala401=)

Gene: NPR3 (natriuretic peptide receptor 3; plus strand). Cytogenetic location: 5p13.3.
Variant type: single nucleotide variant.
Coding change: c.1203C>T on transcript NM_001204375.2 (MANE Select); coding-DNA position 1203, C replaced by T.
Protein change: p.Ala401=; no amino-acid change (alanine 401 retained).
Molecular consequence: synonymous variant.
Genome position (GRCh38, 1-based): chr5:32,780,729, C>T. VCF-style: chr5-32780729-C-T. GRCh37 (hg19) VCF-style: chr5-32780835-C-T.
Other names: c.1203C>T, p.Ala401= (NM_000908.4); c.555C>T, p.Ala185= (NM_001204376.2, NM_001363652.2); c.483C>T, p.Ala161= (NM_001364458.2); c.432C>T, p.Ala144= (NM_001364460.2).
Identifiers: ClinVar variation 1599277 (VCV001599277.22), dbSNP rs532008703, ClinGen allele CA3222595.